The following is an entry in ClinVar:

ClinVar aggregate classification (germline): Uncertain significance. Review status: criteria provided, multiple submitters, no conflicts (2 of 4 stars). 3 submissions from 3 submitters: Uncertain significance (3). Last evaluated 2024-09-21.

Conditions:
Hereditary cancer-predisposing syndrome. Also called: Neoplastic Syndromes, Hereditary; Tumor predisposition; Hereditary Cancer Syndrome; Hereditary neoplastic syndrome. Identifiers: Orphanet 140162, MedGen C0027672, MeSH D009386, MONDO:0015356.
Cardiovascular phenotype. Identifiers: MedGen CN230736.
Neurofibromatosis, type 1 (NF1). Also called: VON RECKLINGHAUSEN DISEASE; NEUROFIBROMATOSIS, TYPE I, SOMATIC; Peripheral type neurofibromatosis; Neurofibromatosis, type I. Identifiers: Orphanet 636, MedGen C0027831, MONDO:0018975, OMIM 162200. Disease mechanism: loss of function.

Submissions (3):

Ambry Genetics
Classification: Uncertain significance for Cardiovascular phenotype; Hereditary cancer-predisposing syndrome. Last evaluated: 2024-09-21. Review status: criteria provided, single submitter. Criteria: Ambry Variant Classification Scheme 2023. Collection method: clinical testing. Allele origin: germline.
Comment: The p.S1978C variant (also known as c.5932A>T), located in coding exon 39 of the NF1 gene, results from an A to T substitution at nucleotide position 5932. The serine at codon 1978 is replaced by cysteine, an amino acid with dissimilar properties. This amino acid position is conserved. In addition, this alteration is predicted to be deleterious by in silico analysis. Based on the available evidence, the clinical significance of this variant remains unclear.

Labcorp Genetics (formerly Invitae), Labcorp
Classification: Uncertain significance for Neurofibromatosis, type 1. Last evaluated: 2023-08-22. Review status: criteria provided, single submitter. Criteria: Invitae Variant Classification Sherloc (09022015). Collection method: clinical testing. Allele origin: germline.
Comment: This variant has not been reported in the literature in individuals affected with NF1-related conditions. In summary, the available evidence is currently insufficient to determine the role of this variant in disease. Therefore, it has been classified as a Variant of Uncertain Significance. Advanced modeling of protein sequence and biophysical properties (such as structural, functional, and spatial information, amino acid conservation, physicochemical variation, residue mobility, and thermodynamic stability) performed at Invitae indicates that this missense variant is expected to disrupt NF1 protein function. ClinVar contains an entry for this variant (Variation ID: 561723). This variant is not present in population databases (gnomAD no frequency). This sequence change replaces serine, which is neutral and polar, with cysteine, which is neutral and slightly polar, at codon 1978 of the NF1 protein (p.Ser1978Cys).

GeneDx
Classification: Uncertain significance. Last evaluated: 2018-01-20. Review status: criteria provided, single submitter. Criteria: GeneDx Variant Classification (06012015). Collection method: clinical testing. Allele origin: germline. Affected: yes.
Comment: This variant is denoted NF1 c.5932A>T at the cDNA level, p.Ser1978Cys (S1978C) at the protein level, and results in the change of a Serine to a Cysteine (AGC>TGC). This variant has not, to our knowledge, been published in the literature as pathogenic or benign. NF1 Ser1978Cys was not observed in large population cohorts (Lek 2016). This variant is not located in a known functional domain. In-silico analysis, which includes protein predictors and evolutionary conservation, supports a deleterious effect. Based on currently available evidence, it is unclear whether NF1 Ser1978Cys is a pathogenic or benign variant. We consider it to be a variant of uncertain significance.

NM_001042492.3(NF1):c.5995A>T (p.Ser1999Cys)

Gene: NF1 (neurofibromin 1; plus strand). Cytogenetic location: 17q11.2.
Variant type: single nucleotide variant.
Coding change: c.5995A>T on transcript NM_001042492.3 (MANE Select); coding-DNA position 5995, A replaced by T.
Protein change: p.Ser1999Cys; replaces serine 1999 with cysteine.
Molecular consequence: missense variant.
Genome position (GRCh38, 1-based): chr17:31,335,020, A>T. VCF-style: chr17-31335020-A-T. GRCh37 (hg19) VCF-style: chr17-29662038-A-T.
Other names: c.5932A>T, p.Ser1978Cys (NM_000267.4); short protein forms S1978C, S1999C.
Identifiers: ClinVar variation 561723 (VCV000561723.7), dbSNP rs753703741, ClinGen allele CA399010958.